The following is an entry in ClinVar:

ClinVar aggregate classification (germline): Pathogenic. Review status: reviewed by expert panel (3 of 4 stars). 3 submissions from 3 submitters: Pathogenic (1). 2 of the submissions do not count toward it. Last evaluated 2016-10-18.

Conditions:
Breast-ovarian cancer, familial, susceptibility to, 2 (BROVCA2). Also called: BRCA2 Hereditary Breast and Ovarian Cancer. Identifiers: Orphanet 145, MedGen C2675520, MONDO:0012933, OMIM 612555. Disease mechanism: loss of function.
Hereditary breast ovarian cancer syndrome. Also called: BRCA1- and BRCA2-Associated Hereditary Breast and Ovarian Cancer; Hereditary breast and ovarian cancer; Breast and ovarian cancer; Hereditary breast and/or ovarian cancer syndrome; Hereditary breast and ovarian cancer syndrome; Hereditary breast and ovarian cancer syndrome (HBOC). Identifiers: Orphanet 145, MedGen C0677776, MeSH D061325, MONDO:0003582. Disease mechanism: loss of function.

Submissions (3):

Evidence-based Network for the Interpretation of Germline Mutant Alleles (ENIGMA)
Classification: Pathogenic for Breast-ovarian cancer, familial, susceptibility to, 2. Last evaluated: 2016-10-18. Review status: reviewed by expert panel. Criteria: ENIGMA BRCA1/2 Classification Criteria (2015). Collection method: curation. Allele origin: germline.
Comment: Variant allele predicted to encode a truncated non-functional protein.

Labcorp Genetics (formerly Invitae), Labcorp
Classification: Pathogenic for Hereditary breast ovarian cancer syndrome. Last evaluated: 2024-04-22. Review status: criteria provided, single submitter. Criteria: Invitae Variant Classification Sherloc (09022015). Collection method: clinical testing. Allele origin: germline. Not counted in ClinVar's aggregate classification.
Comment: This sequence change creates a premature translational stop signal (p.Ser1992*) in the BRCA2 gene. It is expected to result in an absent or disrupted protein product. Loss-of-function variants in BRCA2 are known to be pathogenic (PMID: 20104584). This variant is not present in population databases (gnomAD no frequency). This variant has not been reported in the literature in individuals affected with BRCA2-related conditions. ClinVar contains an entry for this variant (Variation ID: 266910). For these reasons, this variant has been classified as Pathogenic.

Consortium of Investigators of Modifiers of BRCA1/2 (CIMBA), c/o University of Cambridge
Classification: Pathogenic for Breast-ovarian cancer, familial, susceptibility to, 2. Last evaluated: 2015-10-02. Review status: criteria provided, single submitter. Criteria: CIMBA Mutation Classification guidelines May 2016. Collection method: clinical testing. Allele origin: germline. Not counted in ClinVar's aggregate classification.

Literature cited by the submitters: PubMed 20104584 (cited by Labcorp Genetics (formerly Invitae), Labcorp).

NM_000059.4(BRCA2):c.5975C>G (p.Ser1992Ter)

Gene: BRCA2 (BRCA2 DNA repair associated; plus strand). Cytogenetic location: 13q13.1.
Variant type: single nucleotide variant.
Coding change: c.5975C>G on transcript NM_000059.4 (MANE Select); coding-DNA position 5975, C replaced by G.
Protein change: p.Ser1992Ter; replaces serine 1992 with a stop codon.
Molecular consequence: nonsense.
Genome position (GRCh38, 1-based): chr13:32,340,330, C>G. VCF-style: chr13-32340330-C-G. GRCh37 (hg19) VCF-style: chr13-32914467-C-G.
Other names: 6203C>G (S1992X); short protein forms S1992*.
Identifiers: ClinVar variation 266910 (VCV000266910.8), dbSNP rs80358830, ClinGen allele CA10589341.
Genomic context (GRCh38, chr13:32,340,330, plus strand): 5'-CAAATACTTGTGGGATTTTTAGCACAGCAAGTGGAAAATCTGTCCAGGTATCAGATGCTT[C>G]ATTACAAAACGCAAGACAAGTGTTTTCTGAAATAGAAGATAGTACCAAGCAAGTCTTTTC-3'